The following is an entry in ClinVar:

ClinVar aggregate classification (germline): Benign (0 of 4 stars; one submission).

Conditions:
MGLL-related disorder. Also called: MGLL-related condition.

Allele frequency attached by ClinVar (database versions not stated): ExAC 0.08804; gnomAD exomes 0.09360; 1000 Genomes Project 0.10044; 1000 Genomes Project 30x 0.10228; gnomAD 0.10698; TOPMed 0.11147; ESP Exome Variant Server 0.11463.
gnomAD v4.1: 152,880 of 1,613,990 alleles (9.5%); highest among the groups gnomAD compares: African/African-American, 16%; 7,853 homozygotes.

Submission:

PreventionGenetics, part of Exact Sciences
Classification: Benign for MGLL-related condition. Last evaluated: 2020-01-02. Review status: no assertion criteria provided. Collection method: clinical testing. Allele origin: germline.
Comment: This variant is classified as benign based on ACMG/AMP sequence variant interpretation guidelines (Richards et al. 2015 PMID: 25741868, with internal and published modifications).

NM_007283.7(MGLL):c.753A>G (p.Leu251=)

Gene: MGLL (monoglyceride lipase; minus strand). Cytogenetic location: 3q21.3.
Variant type: single nucleotide variant.
Coding change: c.753A>G on transcript NM_007283.7 (MANE Select); coding-DNA position 753, A replaced by G.
Protein change: p.Leu251=; no amino-acid change (leucine 251 retained).
Molecular consequence: synonymous variant.
Genome position (GRCh38, 1-based): chr3:127,695,038, T>C on the plus strand (A>G on the coding strand, the complement: MGLL is on the minus strand). VCF-style: chr3-127695038-T-C. GRCh37 (hg19) VCF-style: chr3-127413881-T-C.
Other names: c.723A>G, p.Leu241= (NM_001003794.3, NM_001388314.1, NM_001388315.1); c.663A>G, p.Leu221= (NM_001256585.2); c.831A>G, p.Leu277= (NM_001388312.1); c.801A>G, p.Leu267= (NM_001388313.1); c.633A>G, p.Leu211= (NM_001388316.1); c.645A>G, p.Leu215= (NM_001388317.1, NM_001388318.1).
Identifiers: ClinVar variation 3056921 (VCV003056921.2), dbSNP rs4881, ClinGen allele CA2597500.
Genomic context (GRCh38, chr3:127,695,038, plus strand): 5'-GAGAGTCTTGTCCTGGCTCTTGGCTAACTCCATGAGCAGGTAGGCCCCTTTGCTGTCACA[T>C]AGGCGATCGGCAGAGCCCTGGAGCAGCAGGAAGGGCACAGTCAGCTTGGGGAGGGCGCGC-3'
Protein context (NP_009214.1, residues 241-261): FLLLQGSADR[Leu251=]CDSKGAYLLM